The following is an entry in ClinVar:

ClinVar aggregate classification (germline): Pathogenic (1 of 4 stars; one submission).

Submission:

GeneDx
Classification: Pathogenic. Last evaluated: 2018-01-18. Review status: criteria provided, single submitter. Criteria: GeneDx Variant Classification (06012015). Collection method: clinical testing. Allele origin: germline. Affected: yes.
Comment: The W1286X nonsense variant in the SCN1A gene is predicted to cause loss of normal protein function either through protein truncation or nonsense-mediated mRNA decay. A different nucleotide substitution (c.3858 G>A) resulting in the same amino acid substitution (W1286X) has been reported previously as a de novo pathogenic variant in an individual with Dravet syndrome (Sun et al., 2010). Furthermore, the W1286X (c.3857 G>A) variant is not observed in large population cohorts (Lek et al., 2016). Therefore, the W1286X variant is considered a pathogenic variant and its presence is consistent with the diagnosis of an SCN1A-related disorder in this individual.

NM_001165963.4(SCN1A):c.3857G>A (p.Trp1286Ter)

Genes: SCN1A (sodium voltage-gated channel alpha subunit 1; minus strand), LOC102724058 (uncharacterized LOC102724058; plus strand). Cytogenetic location: 2q24.3.
Variant type: single nucleotide variant.
Coding change: c.3857G>A on transcript NM_001165963.4 (MANE Select); coding-DNA position 3857, G replaced by A.
Protein change: p.Trp1286Ter; replaces tryptophan 1286 with a stop codon.
Molecular consequence: nonsense. On other transcripts: non-coding transcript variant (1).
Genome position (GRCh38, 1-based): chr2:166,012,131, C>T on the plus strand (G>A on the coding strand, the complement: SCN1A is on the minus strand). VCF-style: chr2-166012131-C-T. GRCh37 (hg19) VCF-style: chr2-166868641-C-T.
Other names: c.3773G>A, p.Trp1258Ter (NM_001165964.3, NM_001353957.2, NM_001353958.2); c.3857G>A, p.Trp1286Ter (NM_001202435.3, NM_001353948.2); c.3824G>A, p.Trp1275Ter (NM_001353949.2, NM_001353950.2, NM_001353951.2 and 2 more transcripts); c.3821G>A, p.Trp1274Ter (NM_001353954.2, NM_001353955.2); c.3770G>A, p.Trp1257Ter (NM_001353960.2); c.1415G>A, p.Trp472Ter (NM_001353961.2); short protein forms W1275*, W1286*, W1258*, W1274*, W472*, W1257*.
Identifiers: ClinVar variation 265657 (VCV000265657.2), dbSNP rs886039705, ClinGen allele CA10588320.